The following is an entry in ClinVar:

NM_000038.6(APC):c.*2AG[4]

Gene: APC (APC regulator of Wnt signaling pathway; plus strand). Cytogenetic location: 5q22.2.
Variant type: Microsatellite.
Coding change: c.*2AG[4] on transcript NM_000038.6 (MANE Select); four copies in a row of the 2-base unit AG starting at c.*2; the reference has three copies in a row; one copy, 2 bases duplicated.
Molecular consequence: 3 prime UTR variant.
Genome position (GRCh38, 1-based): chr5:112,844,132-112,844,133, AG duplicated; duplicating any 2 consecutive bases within chr5:112,844,128-112,844,133 gives the same sequence; the position shown is the placement nearest the transcript's 3' end. VCF-style (leftmost placement, unchanged base first): chr5-112844127-A-AAG. GRCh37 (hg19) VCF-style: chr5-112179824-A-AAG.
Other names: c.*2AG[4] (NM_001127510.3, NM_001127511.3, NM_001354895.2 and 11 more transcripts); c.*6_*7dup (NM_000038.6); c.*6_*7dupAG (NM_000038.5).
Identifiers: ClinVar variation 921648 (VCV000921648.12), dbSNP rs758692443, ClinGen allele CA562217620.
Genomic context (GRCh38, chr5:112,844,127, plus strand): 5'-TCCAGTGGAACCCAAAGTCCTAAGCGCCATTCTGGGTCTTACCTTGTGACATCTGTTTAA[A>AAG]AGAGAGGAAGAATGAAACTAAGAAAATTCTATGTTAATTACAACTGCTATATAGACATTT-3'

ClinVar aggregate classification (germline): Conflicting classifications of pathogenicity. Review status: criteria provided, conflicting classifications (1 of 4 stars). 5 submissions from 5 submitters: Uncertain significance (2); Benign (1); Likely benign (1). 1 of the submissions does not count toward it. Last evaluated 2025-08-12.

Conditions:
Hereditary cancer-predisposing syndrome. Also called: Neoplastic Syndromes, Hereditary; Tumor predisposition; Hereditary Cancer Syndrome; Hereditary neoplastic syndrome. Identifiers: Orphanet 140162, MedGen C0027672, MeSH D009386, MONDO:0015356.
APC-related disorder. Also called: APC-related condition.
Familial adenomatous polyposis 1 (FAP1). Also called: FAMILIAL ADENOMATOUS POLYPOSIS 1, ATTENUATED; POLYPOSIS, ADENOMATOUS INTESTINAL. Identifiers: MedGen C2713442, MONDO:0021056, OMIM 175100. Disease mechanism: loss of function.

Submissions (5):

Quest Diagnostics Nichols Institute San Juan Capistrano
Classification: Uncertain significance. Last evaluated: 2025-08-12. Review status: criteria provided, single submitter. Criteria: Quest Diagnostics criteria. Collection method: clinical testing. Allele origin: unknown.
Comment: The APC c.*6_*7dup variant has not been reported in individuals with APC-related conditions in the published literature. The frequency of this variant in the general population (Genome Aggregation Database) is uninformative in the assessment of its pathogenicity. Analysis of this variant using software algorithms for the prediction of the effect of nucleotide changes on splicing yielded predictions that this variant does not affect APC mRNA splicing. Based on the available information, we are unable to determine the clinical significance of this variant.

Myriad Genetics, Inc.
Classification: Benign for Familial adenomatous polyposis 1. Last evaluated: 2024-09-30. Review status: criteria provided, single submitter. Criteria: Myriad Autosomal Dominant, Autosomal Recessive and X-Linked Classification Criteria (2023). Collection method: clinical testing. Allele origin: unknown.
Comment: This variant is considered benign. This variant occurs in the non-coding 3' untranslated region of the gene, and is not expected to impact protein function.

Color Diagnostics, LLC DBA Color Health
Classification: Uncertain significance for Hereditary cancer-predisposing syndrome. Last evaluated: 2024-01-22. Review status: criteria provided, single submitter. Criteria: ACMG Guidelines, 2015. Collection method: clinical testing. Allele origin: germline.
Comment: This variant inserts two nucleotides in the 3' untranslated region of APC gene. To our knowledge, functional studies have not been reported for this variant. This variant has not been reported in individuals affected with APC-related disorders in the literature. This variant has been identified in 2/250204 chromosomes in the general population by the Genome Aggregation Database (gnomAD). The available evidence is insufficient to determine the role of this variant in disease conclusively. Therefore, this variant is classified as a Variant of Uncertain Significance.

GeneDx
Classification: Likely benign. Last evaluated: 2019-10-08. Review status: criteria provided, single submitter. Criteria: GeneDx Variant Classification Process June 2021. Collection method: clinical testing. Allele origin: germline. Affected: yes.

PreventionGenetics, part of Exact Sciences
Classification: Likely benign for APC-related condition. Last evaluated: 2019-10-07. Review status: no assertion criteria provided. Collection method: clinical testing. Allele origin: germline. Not counted in ClinVar's aggregate classification.
Comment: This variant is classified as likely benign based on ACMG/AMP sequence variant interpretation guidelines (Richards et al. 2015 PMID: 25741868, with internal and published modifications).